The following is an entry in ClinVar:

ClinVar aggregate classification (germline): Uncertain significance (1 of 4 stars; one submission).

gnomAD v4.1: 1 of 1,613,970 alleles (0.000062%); highest among the groups gnomAD compares: Non-Finnish European, 0.000085%; no homozygotes.

Submission:

Labcorp Genetics (formerly Invitae), Labcorp
Classification: Uncertain significance. Last evaluated: 2024-03-16. Review status: criteria provided, single submitter. Criteria: Invitae Variant Classification Sherloc (09022015). Collection method: clinical testing. Allele origin: germline.
Comment: This sequence change replaces valine, which is neutral and non-polar, with isoleucine, which is neutral and non-polar, at codon 685 of the XPR1 protein (p.Val685Ile). This variant is present in population databases (no rsID available, gnomAD 0.0009%). This variant has not been reported in the literature in individuals affected with XPR1-related conditions. An algorithm developed to predict the effect of missense changes on protein structure and function (PolyPhen-2) suggests that this variant is likely to be tolerated. In summary, the available evidence is currently insufficient to determine the role of this variant in disease. Therefore, it has been classified as a Variant of Uncertain Significance.

NM_004736.4(XPR1):c.2053G>A (p.Val685Ile)

Gene: XPR1 (xenotropic and polytropic retrovirus receptor 1; plus strand). Cytogenetic location: 1q25.3.
Variant type: single nucleotide variant.
Coding change: c.2053G>A on transcript NM_004736.4 (MANE Select); coding-DNA position 2053, G replaced by A.
Protein change: p.Val685Ile; replaces valine 685 with isoleucine.
Molecular consequence: missense variant. On other transcripts: non-coding transcript variant (1).
Genome position (GRCh38, 1-based): chr1:180,884,028, G>A. VCF-style: chr1-180884028-G-A. GRCh37 (hg19) VCF-style: chr1-180853164-G-A.
Other names: c.1858G>A, p.Val620Ile (NM_001135669.2); short protein forms V685I, V620I.
Identifiers: ClinVar variation 3678717 (VCV003678717.2).